The following is an entry in ClinVar:

Conditions:
Breast-ovarian cancer, familial, susceptibility to, 1 (BROVCA1). Also called: BRCA1 Hereditary Breast and Ovarian Cancer; OVARIAN CANCER, SUSCEPTIBILITY TO. Identifiers: Orphanet 145, MedGen C2676676, MONDO:0011450, OMIM 604370. Disease mechanism: loss of function.

Submission:

Brotman Baty Institute, University of Washington
No classification provided (evidence only). Condition: Breast-ovarian cancer, familial 1. Review status: no classification provided. Collection method: in vitro. Allele origin: not applicable. Functional consequence: functionally_normal.
ClinVar note: "not provided" was previously submitted as the classification for the variant. However, the classification appeared to be based only on an observation of functional data so it was converted to no classification on 2025-07-30.

NM_007294.4(BRCA1):c.105C>A (p.Val35=)

Gene: BRCA1 (BRCA1 DNA repair associated; minus strand). Cytogenetic location: 17q21.31.
Variant type: single nucleotide variant.
Coding change: c.105C>A on transcript NM_007294.4 (MANE Select); coding-DNA position 105, C replaced by A.
Protein change: p.Val35=; no amino-acid change (valine 35 retained).
Molecular consequence: synonymous variant. On other transcripts: 5 prime UTR variant (132), intron variant (41).
Genome position (GRCh38, 1-based): chr17:43,115,755, G>T on the plus strand (C>A on the coding strand, the complement: BRCA1 is on the minus strand). VCF-style: chr17-43115755-G-T. GRCh37 (hg19) VCF-style: chr17-41267772-G-T.
Other names: c.-84C>A (NM_001407571.1, NM_001407853.1, NM_001407879.1 and 52 more transcripts); c.105C>A, p.Val35= (NM_001407581.1, NM_001407582.1, NM_001407583.1 and 192 more transcripts); c.-153C>A (NM_001407694.1, NM_001407696.1, NM_001407724.1 and 13 more transcripts); c.-157C>A (NM_001407695.1, NM_001408465.1); c.-37C>A (NM_001407697.1, NM_001407725.1, NM_001407728.1 and 47 more transcripts); c.-33C>A (NM_001407841.1); c.-200C>A (NM_001407889.1, NM_001407900.1, NM_001408492.1); c.-199C>A (NM_001407960.1, NM_001407962.1, NM_001408510.1 and 1 more transcripts); and 10 more.
Identifiers: ClinVar variation 867806 (VCV000867806.3), dbSNP rs2055254108, ClinGen allele CA500130040.